The following is an entry in ClinVar:

ClinVar aggregate classification (germline): Pathogenic (1 of 4 stars; one submission).

Conditions:
Heterotopia, periventricular, X-linked dominant (PVNH1). Also called: PERIVENTRICULAR NODULAR HETEROTOPIA 4; HETEROTOPIA, PERIVENTRICULAR, 1; PERIVENTRICULAR NODULAR HETEROTOPIA 1; X-linked periventricular heterotopia. Identifiers: Orphanet 2149, Orphanet 82004, MedGen C1848213, MONDO:0010233, OMIM 300049.
Melnick-Needles syndrome (MNS). Also called: Melnick-Needles Syndrome (FLNA-MNS); MELNICK-NEEDLES OSTEODYSPLASTY; OSTEODYSPLASTY OF MELNICK AND NEEDLES. Identifiers: Orphanet 2484, MedGen C0025237, MONDO:0010650, OMIM 309350.
Frontometaphyseal dysplasia (FMD1). Identifiers: Orphanet 1826, MedGen C0265293, MONDO:0015942.
Oto-palato-digital syndrome, type II (OPD2). Also called: Otopalatodigital Syndrome Type 2 (FLNA-OPD2); Otopalatodigital Syndrome, Type II; FACIOPALATOOSSEOUS SYNDROME; OPD II SYNDROME. Identifiers: Orphanet 669, Orphanet 90652, MedGen C1844696, MONDO:0010571, OMIM 304120.

Submission:

Labcorp Genetics (formerly Invitae), Labcorp
Classification: Pathogenic for Oto-palato-digital syndrome, type II; Heterotopia, periventricular, X-linked dominant; Frontometaphyseal dysplasia; Melnick-Needles syndrome. Last evaluated: 2018-06-07. Review status: criteria provided, single submitter. Criteria: Invitae Variant Classification Sherloc (09022015). Collection method: clinical testing. Allele origin: germline.
Comment: This sequence change creates a premature translational stop signal (p.Asn1873Lysfs*55) in the FLNA gene. It is expected to result in an absent or disrupted protein product. This variant is not present in population databases (ExAC no frequency). This variant has not been reported in the literature in individuals with FLNA-related disease. Loss-of-function variants in FLNA are known to be pathogenic (PMID: 16684786, 20730588, 26471271). For these reasons, this variant has been classified as Pathogenic.

Literature cited by the submitters: PubMed 16684786; PubMed 20730588; PubMed 26471271.

NM_001110556.2(FLNA):c.5643del (p.Asn1881fs)

Gene: FLNA (filamin A; minus strand). Cytogenetic location: Xq28.
Variant type: Deletion.
Coding change: c.5643del on transcript NM_001110556.2 (MANE Select); coding-DNA position 5643, one base deleted (C; older notation c.5643delC).
Protein change: p.Asn1881fs; shifts the reading frame from asparagine 1881.
Molecular consequence: frameshift variant.
Genome position (GRCh38, 1-based): chrX:154,353,958, G deleted on the plus strand (C on the coding strand, the reverse complement: FLNA is on the minus strand). VCF-style (leftmost placement, unchanged base first): chrX-154353957-TG-T. GRCh37 (hg19) VCF-style: chrX-153582325-TG-T.
Other names: c.5619delC (NM_001456.3); c.5619del, p.Asn1873fs (NM_001456.4); short protein forms N1873fs, N1881fs.
Identifiers: ClinVar variation 575768 (VCV000575768.8), dbSNP rs1569551502, ClinGen allele CA891843860.
Genomic context (GRCh38, chrX:154,353,957, plus strand): 5'-ACCAGAGCTATTGCTCACCCTCTCCTGCATCCTTGGTGTTGACGGTGAAGGTGGCAGGCT[TG>T]TTCACTACTCCATGGGTGAGGCCAGGCCCATAGGCAGTGACATGGCCACAGTTGACGTAA-3'